The following is an entry in ClinVar:

ClinVar aggregate classification (germline): Uncertain significance (1 of 4 stars; one submission).

gnomAD v4.1: 1 of 1,613,490 alleles (0.000062%); highest among the groups gnomAD compares: Non-Finnish European, 0.000085%; no homozygotes.

Submission:

Labcorp Genetics (formerly Invitae), Labcorp
Classification: Uncertain significance. Last evaluated: 2025-07-27. Review status: criteria provided, single submitter. Criteria: Invitae Variant Classification Sherloc (09022015). Collection method: clinical testing. Allele origin: germline.
Comment: This sequence change replaces aspartic acid, which is acidic and polar, with valine, which is neutral and non-polar, at codon 668 of the LZTR1 protein (p.Asp668Val). This variant is not present in population databases (gnomAD no frequency). This variant has not been reported in the literature in individuals affected with LZTR1-related conditions. Invitae Evidence Modeling of protein sequence and biophysical properties (such as structural, functional, and spatial information, amino acid conservation, physicochemical variation, residue mobility, and thermodynamic stability) indicates that this missense variant is not expected to disrupt LZTR1 protein function with a negative predictive value of 80%. In summary, the available evidence is currently insufficient to determine the role of this variant in disease. Therefore, it has been classified as a Variant of Uncertain Significance.

NM_006767.4(LZTR1):c.2003A>T (p.Asp668Val)

Gene: LZTR1 (leucine zipper like post translational regulator 1; plus strand). Cytogenetic location: 22q11.21.
Variant type: single nucleotide variant.
Coding change: c.2003A>T on transcript NM_006767.4 (MANE Select); coding-DNA position 2003, A replaced by T.
Protein change: p.Asp668Val; replaces aspartic acid 668 with valine.
Molecular consequence: missense variant.
Genome position (GRCh38, 1-based): chr22:20,995,806, A>T. VCF-style: chr22-20995806-A-T. GRCh37 (hg19) VCF-style: chr22-21350095-A-T.
Other names: short protein forms D668V.
Identifiers: ClinVar variation 4799409 (VCV004799409.1).